The following is an entry in ClinVar:

ClinVar aggregate classification (germline): Uncertain significance. Review status: criteria provided, multiple submitters, no conflicts (2 of 4 stars). 2 submissions from 2 submitters: Uncertain significance (2). Last evaluated 2025-04-18.

Conditions:
Mitochondrial complex V (ATP synthase) deficiency, nuclear type 2. Also called: Nuclear-Encoded ATPase Deficiency, TMEM70-Related; ENCEPHALOCARDIOMYOPATHY, MITOCHONDRIAL, NEONATAL, DUE TO ATP SYNTHASE DEFICIENCY; MITOCHONDRIAL COMPLEX V (ATP SYNTHASE) DEFICIENCY, TMEM70 TYPE. Identifiers: Orphanet 1194, MedGen C3279699, MONDO:0013546, OMIM 614052.
Inborn genetic diseases. Identifiers: MedGen C0950123, MeSH D030342.

Submissions (2):

Ambry Genetics
Classification: Uncertain significance for Inborn genetic diseases. Last evaluated: 2025-04-18. Review status: criteria provided, single submitter. Criteria: Ambry Variant Classification Scheme 2023. Collection method: clinical testing. Allele origin: germline.

Labcorp Genetics (formerly Invitae), Labcorp
Classification: Uncertain significance for Mitochondrial complex V (ATP synthase) deficiency, nuclear type 2. Last evaluated: 2021-06-30. Review status: criteria provided, single submitter. Criteria: Invitae Variant Classification Sherloc (09022015). Collection method: clinical testing. Allele origin: germline.
Comment: Algorithms developed to predict the effect of missense changes on protein structure and function are either unavailable or do not agree on the potential impact of this missense change (SIFT: "Deleterious"; PolyPhen-2: "Benign"; Align-GVGD: "Class C0"). This variant has not been reported in the literature in individuals affected with TMEM70-related conditions. This variant is not present in population databases (ExAC no frequency). This sequence change replaces leucine with arginine at codon 4 of the TMEM70 protein (p.Leu4Arg). The leucine residue is weakly conserved and there is a moderate physicochemical difference between leucine and arginine. In summary, the available evidence is currently insufficient to determine the role of this variant in disease. Therefore, it has been classified as a Variant of Uncertain Significance.

NM_017866.6(TMEM70):c.11T>G (p.Leu4Arg)

Gene: TMEM70 (transmembrane protein 70; plus strand). Cytogenetic location: 8q21.11.
Variant type: single nucleotide variant.
Coding change: c.11T>G on transcript NM_017866.6 (MANE Select); coding-DNA position 11, T replaced by G.
Protein change: p.Leu4Arg; replaces leucine 4 with arginine.
Molecular consequence: missense variant. On other transcripts: non-coding transcript variant (1).
Genome position (GRCh38, 1-based): chr8:73,976,292, T>G. VCF-style: chr8-73976292-T-G. GRCh37 (hg19) VCF-style: chr8-74888527-T-G.
Other names: c.11T>G, p.Leu4Arg (NM_001040613.3); c.11T>G (NM_017866.5); short protein forms L4R.
Identifiers: ClinVar variation 1435260 (VCV001435260.8), dbSNP rs2131230721, ClinGen allele CA371489089.
Genomic context (GRCh38, chr8:73,976,292, plus strand): 5'-GTCGTGGACTCGTGCAGCTGGGGCGTCCGCAGCCGCTCGTCACCCGCGTGATGCTGTTTC[T>G]GGCGTTGGGCAGCCCGTGGGCGGTCGAACTGCCTCTCTGCGGAAGGAGGACTGCATTGTG-3'
Protein context (NP_060336.3, residues 1-14): MLF[Leu4Arg]ALGSPWAVEL